The following is an entry in ClinVar:

ClinVar aggregate classification (germline): Likely benign. Review status: criteria provided, multiple submitters, no conflicts (2 of 4 stars). 2 submissions from 2 submitters: Likely benign (2). Last evaluated 2026-01-13.

Allele frequency attached by ClinVar (database versions not stated): gnomAD exomes below 0.00001 and 0.00003.
gnomAD v4.1: 5 of 1,380,602 alleles (0.00036%); highest among the groups gnomAD compares: Non-Finnish European, 0.00047%; no homozygotes.

Submissions (2):

Labcorp Genetics (formerly Invitae), Labcorp
Classification: Likely benign. Last evaluated: 2026-01-13. Review status: criteria provided, single submitter. Criteria: Invitae Variant Classification Sherloc (09022015). Collection method: clinical testing. Allele origin: germline.

CeGaT Center for Human Genetics Tuebingen
Classification: Likely benign. Last evaluated: 2022-04-01. Review status: criteria provided, single submitter. Criteria: CeGaT Center For Human Genetics Tuebingen Variant Classification Criteria Version 2. Collection method: clinical testing. Allele origin: germline. Affected: yes. Observed: 1 variant allele.
Comment: EYS: BP4, BP7

NM_001142800.2(EYS):c.2394A>G (p.Thr798=)

Gene: EYS (EGF-like photoreceptor maintenance factor; minus strand). Cytogenetic location: 6q12.
Variant type: single nucleotide variant.
Coding change: c.2394A>G on transcript NM_001142800.2 (MANE Select); coding-DNA position 2394, A replaced by G.
Protein change: p.Thr798=; no amino-acid change (threonine 798 retained).
Molecular consequence: synonymous variant.
Genome position (GRCh38, 1-based): chr6:64,912,731, T>C on the plus strand (A>G on the coding strand, the complement: EYS is on the minus strand). VCF-style: chr6-64912731-T-C. GRCh37 (hg19) VCF-style: chr6-65622624-T-C.
Other names: c.2394A>G, p.Thr798= (NM_001292009.2).
Identifiers: ClinVar variation 1142993 (VCV001142993.39), dbSNP rs1211173176, ClinGen allele CA450863704.